The following is an entry in ClinVar:

NM_001369.3(DNAH5):c.11907G>A (p.Trp3969Ter)

Gene: DNAH5 (dynein axonemal heavy chain 5; minus strand). Cytogenetic location: 5p15.2.
Variant type: single nucleotide variant.
Coding change: c.11907G>A on transcript NM_001369.3 (MANE Select); coding-DNA position 11907, G replaced by A.
Protein change: p.Trp3969Ter; replaces tryptophan 3969 with a stop codon.
Molecular consequence: nonsense.
Genome position (GRCh38, 1-based): chr5:13,727,633, C>T on the plus strand (G>A on the coding strand, the complement: DNAH5 is on the minus strand). VCF-style: chr5-13727633-C-T. GRCh37 (hg19) VCF-style: chr5-13727742-C-T.
Other names: short protein forms W3969*.
Identifiers: ClinVar variation 566769 (VCV000566769.8), dbSNP rs1561122898, ClinGen allele CA359218363.

ClinVar aggregate classification (germline): Pathogenic. Review status: criteria provided, multiple submitters, no conflicts (2 of 4 stars). 2 submissions from 2 submitters: Pathogenic (2). Last evaluated 2024-05-08.

Conditions:
Primary ciliary dyskinesia. Also called: Ciliary dyskinesia. Identifiers: Orphanet 244, MedGen C0008780, MONDO:0016575, HP:0012265.
Primary ciliary dyskinesia 3. Identifiers: Orphanet 244, MedGen C1837618, MONDO:0012085, OMIM 608644.

Submissions (2):

Myriad Genetics, Inc.
Classification: Pathogenic for Primary ciliary dyskinesia 3. Last evaluated: 2024-05-08. Review status: criteria provided, single submitter. Criteria: Myriad Autosomal Dominant, Autosomal Recessive and X-Linked Classification Criteria (2023). Collection method: clinical testing. Allele origin: unknown.
Comment: NM_001369.2(DNAH5):c.11907G>A(W3969*) is expected to be pathogenic in the context of primary ciliary dyskinesia, DNAH5-related. This variant is predicted to lead to an abnormal or absent protein product due to the creation of a premature termination codon in DNAH5, a gene where loss-of-function variants are known to be pathogenic. Please note: this variant was assessed in the context of healthy population screening.

Labcorp Genetics (formerly Invitae), Labcorp
Classification: Pathogenic for Primary ciliary dyskinesia. Last evaluated: 2018-04-18. Review status: criteria provided, single submitter. Criteria: Invitae Variant Classification Sherloc (09022015). Collection method: clinical testing. Allele origin: germline.
Comment: This sequence change creates a premature translational stop signal (p.Trp3969*) in the DNAH5 gene. It is expected to result in an absent or disrupted protein product. This variant is not present in population databases (ExAC no frequency). This variant has not been reported in the literature in individuals with DNAH5-related disease. Loss-of-function variants in DNAH5 are known to be pathogenic (PMID: 11788826, 16627867). For these reasons, this variant has been classified as Pathogenic.

Literature cited by the submitters: PubMed 11788826 (cited by Labcorp Genetics (formerly Invitae), Labcorp); PubMed 16627867 (cited by Labcorp Genetics (formerly Invitae), Labcorp).